The following is an entry in ClinVar:

ClinVar aggregate classification (germline): Likely pathogenic (1 of 4 stars; one submission).

Conditions:
Creatine transporter deficiency (CCDS1). Also called: Creatine Transporter (CRTR) Deficiency; Mental retardation , X-linked with seizures, short stature and midface hypoplasia; Mental retardation , X-linked, with creatine transport deficiency; X-linked creatine transporter deficiency; X-linked creatine deficiency syndrome; SLC6A8-Related Creatine Transporter Deficiency. Identifiers: Orphanet 52503, MedGen C1845862, MONDO:0010305, OMIM 300352.

Submission:

Labcorp Genetics (formerly Invitae), Labcorp
Classification: Likely pathogenic for Creatine transporter deficiency. Last evaluated: 2022-08-15. Review status: criteria provided, single submitter. Criteria: Invitae Variant Classification Sherloc (09022015). Collection method: clinical testing. Allele origin: germline.
Comment: This sequence change affects a donor splice site in intron 5 of the SLC6A8 gene. It is expected to disrupt RNA splicing. Variants that disrupt the donor or acceptor splice site typically lead to a loss of protein function (PMID: 16199547), and loss-of-function variants in SLC6A8 are known to be pathogenic (PMID: 22281021). This variant is not present in population databases (gnomAD no frequency). This variant has not been reported in the literature in individuals affected with SLC6A8-related conditions. ClinVar contains an entry for this variant (Variation ID: 954472). Algorithms developed to predict the effect of sequence changes on RNA splicing suggest that this variant may disrupt the consensus splice site. In summary, the currently available evidence indicates that the variant is pathogenic, but additional data are needed to prove that conclusively. Therefore, this variant has been classified as Likely Pathogenic.

Literature cited by the submitters: PubMed 16199547; PubMed 22281021.

NM_005629.4(SLC6A8):c.912+2T>G

Gene: SLC6A8 (solute carrier family 6 member 8; plus strand). Cytogenetic location: Xq28.
Variant type: single nucleotide variant.
Coding change: c.912+2T>G on transcript NM_005629.4 (MANE Select); the canonical splice donor site of the intron after coding-DNA position 912, T replaced by G.
Molecular consequence: splice donor variant.
Genome position (GRCh38, 1-based): chrX:153,693,177, T>G. VCF-style: chrX-153693177-T-G. GRCh37 (hg19) VCF-style: chrX-152958632-T-G.
Other names: c.912+2T>G (NM_001142805.2); c.567+2T>G (NM_001142806.1).
Identifiers: ClinVar variation 954472 (VCV000954472.8), dbSNP rs2091466607, ClinGen allele CA415084348.